The following is an entry in ClinVar:

ClinVar aggregate classification (germline): Uncertain significance (1 of 4 stars; one submission).

Conditions:
Hereditary cancer-predisposing syndrome. Also called: Hereditary Cancer Syndrome; Hereditary neoplastic syndrome; Tumor predisposition; Neoplastic Syndromes, Hereditary. Identifiers: Orphanet 140162, MedGen C0027672, MeSH D009386, MONDO:0015356.

gnomAD v4.1: 1 of 1,614,122 alleles (0.000062%); highest among the groups gnomAD compares: Non-Finnish European, 0.000085%; no homozygotes.

Submission:

Ambry Genetics
Classification: Uncertain significance for Hereditary cancer-predisposing syndrome. Last evaluated: 2020-12-14. Review status: criteria provided, single submitter. Criteria: Ambry Variant Classification Scheme 2023. Collection method: clinical testing. Allele origin: germline.
Comment: The p.R801L variant (also known as c.2402G>T), located in coding exon 15 of the SMARCA4 gene, results from a G to T substitution at nucleotide position 2402. The arginine at codon 801 is replaced by leucine, an amino acid with dissimilar properties. This amino acid position is highly conserved in available vertebrate species. In addition, this alteration is predicted to be deleterious by in silico analysis. Since supporting evidence is limited at this time, the clinical significance of this alteration remains unclear.

NM_003072.5(SMARCA4):c.2402G>T (p.Arg801Leu)

Gene: SMARCA4 (SWI/SNF related BAF chromatin remodeling complex subunit ATPase 4; plus strand). Cytogenetic location: 19p13.2.
Variant type: single nucleotide variant.
Coding change: c.2402G>T on transcript NM_003072.5 (MANE Select); coding-DNA position 2402, G replaced by T.
Protein change: p.Arg801Leu; replaces arginine 801 with leucine.
Molecular consequence: missense variant. On other transcripts: non-coding transcript variant (1).
Genome position (GRCh38, 1-based): chr19:11,013,076, G>T. VCF-style: chr19-11013076-G-T. GRCh37 (hg19) VCF-style: chr19-11123752-G-T.
Other names: c.2402G>T, p.Arg801Leu (NM_001128844.3, NM_001128845.2, NM_001128846.2 and 6 more transcripts); short protein forms R801L.
Identifiers: ClinVar variation 1790755 (VCV001790755.2), dbSNP rs1568471266, ClinGen allele CA404053290.